The following is an entry in ClinVar:

NM_003722.5(TP63):c.1322A>G (p.Gln441Arg)

Gene: TP63 (tumor protein p63; plus strand). Cytogenetic location: 3q28.
Variant type: single nucleotide variant.
Coding change: c.1322A>G on transcript NM_003722.5 (MANE Select); coding-DNA position 1322, A replaced by G.
Protein change: p.Gln441Arg; replaces glutamine 441 with arginine.
Molecular consequence: missense variant.
Genome position (GRCh38, 1-based): chr3:189,872,968, A>G. VCF-style: chr3-189872968-A-G. GRCh37 (hg19) VCF-style: chr3-189590757-A-G.
Other names: c.1322A>G, p.Gln441Arg (NM_001114978.2, NM_001114979.2, NM_001329144.2); c.1040A>G, p.Gln347Arg (NM_001114980.2, NM_001114981.2, NM_001114982.2 and 1 more transcripts); c.785A>G, p.Gln262Arg (NM_001329146.2); c.1310A>G, p.Gln437Arg (NM_001329148.2); c.1028A>G, p.Gln343Arg (NM_001329149.2); c.773A>G, p.Gln258Arg (NM_001329150.2); c.1316A>G, p.Gln439Arg (NM_001329964.2); short protein forms Q258R, Q347R, Q343R, Q262R, Q439R, Q441R, Q437R.
Identifiers: ClinVar variation 1970212 (VCV001970212.4), dbSNP rs1327004251, ClinGen allele CA355756034.

ClinVar aggregate classification (germline): Uncertain significance (1 of 4 stars; one submission).

Conditions:
TP63-Related Spectrum Disorders.

Allele frequency attached by ClinVar (database versions not stated): gnomAD 0.00003; TOPMed 0.00003; gnomAD exomes below 0.00001.
gnomAD v4.1: 5 of 1,614,064 alleles (0.00031%); highest among the groups gnomAD compares: African/African-American, 0.0067%; no homozygotes.

Submission:

Labcorp Genetics (formerly Invitae), Labcorp
Classification: Uncertain significance. Last evaluated: 2022-06-25. Review status: criteria provided, single submitter. Criteria: Invitae Variant Classification Sherloc (09022015). Collection method: clinical testing. Allele origin: germline.
Comment: In summary, the available evidence is currently insufficient to determine the role of this variant in disease. Therefore, it has been classified as a Variant of Uncertain Significance. Algorithms developed to predict the effect of missense changes on protein structure and function (SIFT, PolyPhen-2, Align-GVGD) all suggest that this variant is likely to be tolerated. This variant has not been reported in the literature in individuals affected with TP63-related conditions. This variant is present in population databases (no rsID available, gnomAD 0.01%). This sequence change replaces glutamine, which is neutral and polar, with arginine, which is basic and polar, at codon 441 of the TP63 protein (p.Gln441Arg).